The following is an entry in ClinVar:

NM_000548.5(TSC2):c.3424C>G (p.Leu1142Val)

Gene: TSC2 (TSC complex subunit 2; plus strand). Cytogenetic location: 16p13.3.
Variant type: single nucleotide variant.
Coding change: c.3424C>G on transcript NM_000548.5 (MANE Select); coding-DNA position 3424, C replaced by G.
Protein change: p.Leu1142Val; replaces leucine 1142 with valine.
Molecular consequence: missense variant.
Genome position (GRCh38, 1-based): chr16:2,080,191, C>G. VCF-style: chr16-2080191-C-G. GRCh37 (hg19) VCF-style: chr16-2130192-C-G.
Other names: c.3292C>G, p.Leu1098Val (NM_001077183.3, NM_001370404.1); c.3424C>G, p.Leu1142Val (NM_001114382.3); c.3184C>G, p.Leu1062Val (NM_001318827.2); c.3148C>G, p.Leu1050Val (NM_001318829.2); c.2692C>G, p.Leu898Val (NM_001318831.2); c.3325C>G, p.Leu1109Val (NM_001318832.2); c.3295C>G, p.Leu1099Val (NM_001363528.2, NM_001370405.1, NM_021055.3); c.3424C>G (NM_000548.3); short protein forms L1050V, L1062V, L1098V, L1099V, L1109V, L1142V, L898V.
Identifiers: ClinVar variation 1003261 (VCV001003261.10), dbSNP rs1060504111, ClinGen allele CA394288533.

ClinVar aggregate classification (germline): Uncertain significance. Review status: criteria provided, multiple submitters, no conflicts (2 of 4 stars). 2 submissions from 2 submitters: Uncertain significance (2). Last evaluated 2024-02-12.

Conditions:
Tuberous sclerosis 2 (TSC2). Identifiers: Orphanet 805, MedGen C1860707, MONDO:0013199, OMIM 613254.
Hereditary cancer-predisposing syndrome. Also called: Hereditary neoplastic syndrome; Neoplastic Syndromes, Hereditary; Tumor predisposition; Hereditary Cancer Syndrome. Identifiers: Orphanet 140162, MedGen C0027672, MeSH D009386, MONDO:0015356.

gnomAD v4.1: 1 of 1,612,962 alleles (0.000062%); highest among the groups gnomAD compares: African/African-American, 0.0013%; no homozygotes.

Submissions (2):

Labcorp Genetics (formerly Invitae), Labcorp
Classification: Uncertain significance for Tuberous sclerosis 2. Last evaluated: 2024-02-12. Review status: criteria provided, single submitter. Criteria: Invitae Variant Classification Sherloc (09022015). Collection method: clinical testing. Allele origin: germline.
Comment: This sequence change replaces leucine, which is neutral and non-polar, with valine, which is neutral and non-polar, at codon 1142 of the TSC2 protein (p.Leu1142Val). This variant is not present in population databases (gnomAD no frequency). This variant has not been reported in the literature in individuals affected with TSC2-related conditions. ClinVar contains an entry for this variant (Variation ID: 1003261). Advanced modeling of protein sequence and biophysical properties (such as structural, functional, and spatial information, amino acid conservation, physicochemical variation, residue mobility, and thermodynamic stability) performed at Invitae indicates that this missense variant is not expected to disrupt TSC2 protein function with a negative predictive value of 95%. In summary, the available evidence is currently insufficient to determine the role of this variant in disease. Therefore, it has been classified as a Variant of Uncertain Significance.

Ambry Genetics
Classification: Uncertain significance for Hereditary cancer-predisposing syndrome. Last evaluated: 2022-12-05. Review status: criteria provided, single submitter. Criteria: Ambry Variant Classification Scheme 2023. Collection method: clinical testing. Allele origin: germline.
Comment: The p.L1142V variant (also known as c.3424C>G), located in coding exon 29 of the TSC2 gene, results from a C to G substitution at nucleotide position 3424. The leucine at codon 1142 is replaced by valine, an amino acid with highly similar properties. This amino acid position is conserved. In addition, the in silico prediction for this alteration is inconclusive. Since supporting evidence is limited at this time, the clinical significance of this alteration remains unclear.